The following is an entry in ClinVar:

ClinVar aggregate classification (germline): Uncertain significance (1 of 4 stars; one submission).

Conditions:
Microcephaly, normal intelligence and immunodeficiency (NBS). Also called: Microcephaly with normal intelligence immunodeficiency and lymphoreticular malignancies; Nonsyndromal microcephaly autosomal recessive with normal intelligence; Seemanova syndrome 2; Immunodeficiency, microcephaly with normal intelligence; SEEMANOVA SYNDROME II; Ataxia telangiectasia variant V1. Identifiers: Orphanet 647, MedGen C0398791, MONDO:0009623, OMIM 251260.

Submission:

Labcorp Genetics (formerly Invitae), Labcorp
Classification: Uncertain significance for Microcephaly, normal intelligence and immunodeficiency. Last evaluated: 2022-03-06. Review status: criteria provided, single submitter. Criteria: Invitae Variant Classification Sherloc (09022015). Collection method: clinical testing. Allele origin: germline.
Comment: This sequence change replaces proline, which is neutral and non-polar, with threonine, which is neutral and polar, at codon 6 of the NBN protein (p.Pro6Thr). This variant is not present in population databases (gnomAD no frequency). This variant has not been reported in the literature in individuals affected with NBN-related conditions. ClinVar contains an entry for this variant (Variation ID: 848461). Algorithms developed to predict the effect of missense changes on protein structure and function are either unavailable or do not agree on the potential impact of this missense change (SIFT: "Tolerated"; PolyPhen-2: "Possibly Damaging"; Align-GVGD: "Class C0"). In summary, the available evidence is currently insufficient to determine the role of this variant in disease. Therefore, it has been classified as a Variant of Uncertain Significance.

NM_002485.5(NBN):c.16C>A (p.Pro6Thr)

Gene: NBN (nibrin; minus strand). Cytogenetic location: 8q21.3.
Variant type: single nucleotide variant.
Coding change: c.16C>A on transcript NM_002485.5 (MANE Select); coding-DNA position 16, C replaced by A.
Protein change: p.Pro6Thr; replaces proline 6 with threonine.
Molecular consequence: missense variant. On other transcripts: 5 prime UTR variant (1).
Genome position (GRCh38, 1-based): chr8:89,984,546, G>T on the plus strand (C>A on the coding strand, the complement: NBN is on the minus strand). VCF-style: chr8-89984546-G-T. GRCh37 (hg19) VCF-style: chr8-90996774-G-T.
Other names: c.-281C>A (NM_001024688.3); short protein forms P6T.
Identifiers: ClinVar variation 848461 (VCV000848461.7), dbSNP rs730881859, ClinGen allele CA371664186.
Genomic context (GRCh38, chr8:89,984,546, plus strand): 5'-CCGGGAAAATAGGCCCCGAGGCTTCCCTTCTGCCCTTACCTCCTGCCGGGCCCGCGGCGG[G>T]CAGCAGTTTCCACATCGGTCCGGCTCCTCAGGGCTGGGGCCGACGTGCAACCGCGTAACC-3'
Protein context (NP_002476.2, residues 1-16): MWKLL[Pro6Thr]AAGPAGGEPY